The following is an entry in ClinVar:

ClinVar aggregate classification (germline): Uncertain significance (1 of 4 stars; one submission).

Submission:

GeneDx
Classification: Uncertain significance. Last evaluated: 2024-02-27. Review status: criteria provided, single submitter. Criteria: GeneDx Variant Classification Process June 2021. Collection method: clinical testing. Allele origin: germline. Affected: yes.
Comment: Not observed at significant frequency in large population cohorts (gnomAD); In silico analysis supports that this missense variant has a deleterious effect on protein structure/function; Has not been previously published as pathogenic or benign to our knowledge

NM_014712.3(SETD1A):c.167C>T (p.Pro56Leu)

Gene: SETD1A (SET domain containing 1A, histone lysine methyltransferase; plus strand). Cytogenetic location: 16p11.2.
Variant type: single nucleotide variant.
Coding change: c.167C>T on transcript NM_014712.3 (MANE Select); coding-DNA position 167, C replaced by T.
Protein change: p.Pro56Leu; replaces proline 56 with leucine.
Molecular consequence: missense variant.
Genome position (GRCh38, 1-based): chr16:30,959,107, C>T. VCF-style: chr16-30959107-C-T. GRCh37 (hg19) VCF-style: chr16-30970428-C-T.
Other names: short protein forms P56L.
Identifiers: ClinVar variation 3369625 (VCV003369625.1).